The following is an entry in ClinVar:

ClinVar aggregate classification (germline): Uncertain significance (1 of 4 stars; one submission).

Conditions:
Familial thoracic aortic aneurysm and aortic dissection (TAAD). Also called: Thoracic aortic aneurysms and dissections. Identifiers: Orphanet 91387, MedGen C4707243, MONDO:0019625.

Submission:

Ambry Genetics
Classification: Uncertain significance for Familial thoracic aortic aneurysm and aortic dissection. Last evaluated: 2018-12-27. Review status: criteria provided, single submitter. Criteria: Ambry Variant Classification Scheme 2023. Collection method: clinical testing. Allele origin: germline.
Comment: The c.5444_5448dupCCATC variant, located in coding exon 37 of the MYH11 gene, results from a duplication of CCATC at nucleotide position 5444, causing a translational frameshift with a predicted alternate stop codon (p.A1817Pfs*30). This alteration is expected to result in loss of function by premature protein truncation or nonsense-mediated mRNA decay. However, loss of function of MYH11 has not been clearly established as a mechanism of disease. Since supporting evidence is limited at this time, the clinical significance of this alteration remains unclear.

NM_002474.3(MYH11):c.5444_5448dup (p.Ala1817fs)

Genes: MYH11 (myosin heavy chain 11; minus strand), NDE1 (nudE neurodevelopment protein 1; plus strand). Cytogenetic location: 16p13.11.
Variant type: Duplication.
Coding change: c.5444_5448dup on transcript NM_002474.3 (MANE Select); coding-DNA positions 5444 to 5448, 5 bases duplicated (CCATC; older notation c.5444_5448dupCCATC).
Protein change: p.Ala1817fs; shifts the reading frame from alanine 1817.
Molecular consequence: frameshift variant. On other transcripts: intron variant (2).
Genome position (GRCh38, 1-based): chr16:15,717,196-15,717,200, GATGG duplicated on the plus strand (CCATC on the coding strand, the reverse complement: MYH11 is on the minus strand). VCF-style (leftmost placement, unchanged base first): chr16-15717195-C-CGATGG. GRCh37 (hg19) VCF-style: chr16-15811052-C-CGATGG.
Other names: c.5465_5469dup, p.Ala1824fs (NM_001040113.2, NM_001040114.2); c.5444_5448dup, p.Ala1817fs (NM_022844.3); c.948-6995_948-6991dup (NM_001143979.2, NM_017668.3); short protein forms A1817fs, A1824fs.
Identifiers: ClinVar variation 1747569 (VCV001747569.2), dbSNP rs2506083042, ClinGen allele CA2580090754.